The following is an entry in ClinVar:

NM_000301.5(PLG):c.226A>T (p.Met76Leu)

Gene: PLG (plasminogen; plus strand). Cytogenetic location: 6q26.
Variant type: single nucleotide variant.
Coding change: c.226A>T on transcript NM_000301.5 (MANE Select); coding-DNA position 226, A replaced by T.
Protein change: p.Met76Leu; replaces methionine 76 with leucine.
Molecular consequence: missense variant.
Genome position (GRCh38, 1-based): chr6:160,707,740, A>T. VCF-style: chr6-160707740-A-T. GRCh37 (hg19) VCF-style: chr6-161128772-A-T.
Other names: c.226A>T, p.Met76Leu (NM_001168338.1); short protein forms M76L.
Identifiers: ClinVar variation 3017807 (VCV003017807.3), dbSNP rs770768604, ClinGen allele CA4087356.
Genomic context (GRCh38, chr6:160,707,740, plus strand): 5'-TTTCCTGCTTCGTTCTGCAGGGCATTCCAATATCACAGTAAAGAGCAACAATGTGTGATA[A>T]TGGCTGAAAACAGGAAGTCCTCCATAATCATTAGGATGAGAGATGTAGTTTTATTTGAAA-3'
Protein context (NP_000292.1, residues 66-86): YHSKEQQCVI[Met76Leu]AENRKSSIII

ClinVar aggregate classification (germline): Uncertain significance (1 of 4 stars; one submission).

Allele frequency attached by ClinVar (database versions not stated): gnomAD 0.00002; TOPMed 0.00002; ExAC 0.00011.
gnomAD v4.1: 24 of 1,611,418 alleles (0.0015%); highest among the groups gnomAD compares: East Asian, 0.049%; no homozygotes.

Submission:

Labcorp Genetics (formerly Invitae), Labcorp
Classification: Uncertain significance. Last evaluated: 2023-10-13. Review status: criteria provided, single submitter. Criteria: Invitae Variant Classification Sherloc (09022015). Collection method: clinical testing. Allele origin: germline.
Comment: This sequence change replaces methionine, which is neutral and non-polar, with leucine, which is neutral and non-polar, at codon 76 of the PLG protein (p.Met76Leu). This variant is present in population databases (rs770768604, gnomAD 0.1%). This variant has not been reported in the literature in individuals affected with PLG-related conditions. Algorithms developed to predict the effect of missense changes on protein structure and function output the following: SIFT: "Not Available"; PolyPhen-2: "Benign"; Align-GVGD: "Not Available". The leucine amino acid residue is found in multiple mammalian species, which suggests that this missense change does not adversely affect protein function. In summary, the available evidence is currently insufficient to determine the role of this variant in disease. Therefore, it has been classified as a Variant of Uncertain Significance.